The following is an entry in ClinVar:

ClinVar aggregate classification (germline): Conflicting classifications of pathogenicity. Review status: criteria provided, conflicting classifications (1 of 4 stars). 4 submissions from 4 submitters: Likely pathogenic (1); Uncertain significance (2). 1 of the submissions does not count toward it. Last evaluated 2025-08-05.

Conditions:
CDT1-related disorder. Also called: CDT1-related condition.
Meier-Gorlin syndrome 4 (MGORS4). Identifiers: Orphanet 2554, MedGen C3151120, MONDO:0013431, OMIM 613804.

Allele frequency attached by ClinVar (database versions not stated): gnomAD 0.00006 and 0.00005; TOPMed 0.00004.

Submissions (4):

GeneDx
Classification: Uncertain significance. Last evaluated: 2025-08-05. Review status: criteria provided, single submitter. Criteria: GeneDx Variant Classification Process June 2021. Collection method: clinical testing. Allele origin: germline. Affected: yes.
Comment: In silico analysis supports that this missense variant has a deleterious effect on protein structure/function; This variant is associated with the following publications: (PMID: 23023959, 11477602, 31589614, 35982159, 30281379, 33057194, 21358631, 30665703)

Labcorp Genetics (formerly Invitae), Labcorp
Classification: Uncertain significance. Last evaluated: 2025-06-08. Review status: criteria provided, single submitter. Criteria: Invitae Variant Classification Sherloc (09022015). Collection method: clinical testing. Allele origin: germline.
Comment: This sequence change replaces glutamic acid, which is acidic and polar, with lysine, which is basic and polar, at codon 468 of the CDT1 protein (p.Glu468Lys). This variant is present in population databases (rs200652608, gnomAD 0.02%). This missense change has been observed in individual(s) with Meier-Gorlin syndrome (PMID: 21358631, 33057194, 35982159). ClinVar contains an entry for this variant (Variation ID: 30502). An algorithm developed to predict the effect of missense changes on protein structure and function (PolyPhen-2) suggests that this variant is likely to be disruptive. Experimental studies have shown that this missense change affects CDT1 function (PMID: 30281379). In summary, the available evidence is currently insufficient to determine the role of this variant in disease. Therefore, it has been classified as a Variant of Uncertain Significance.

Blueprint Genetics
Classification: Likely pathogenic for CDT1-related disorders. Last evaluated: 2024-07-05. Review status: criteria provided, single submitter. Criteria: ACMG Guidelines, 2015. Collection method: clinical testing. Allele origin: germline. Affected: yes. Observed: 5 variant alleles.

OMIM
Classification: Pathogenic for MEIER-GORLIN SYNDROME 4. Last evaluated: 2011-02-27. Review status: no assertion criteria provided. Collection method: literature only. Allele origin: germline. Not counted in ClinVar's aggregate classification.

Literature cited by the submitters: PubMed 21358631 (cited by Labcorp Genetics (formerly Invitae), Labcorp and OMIM); PubMed 33057194 (cited by Labcorp Genetics (formerly Invitae), Labcorp); PubMed 35982159 (cited by Labcorp Genetics (formerly Invitae), Labcorp); PubMed 30281379 (cited by Labcorp Genetics (formerly Invitae), Labcorp); PubMed 11477602 (cited by OMIM).

NM_030928.4(CDT1):c.1402G>A (p.Glu468Lys)

Gene: CDT1 (chromatin licensing and DNA replication factor 1; plus strand). Cytogenetic location: 16q24.3.
Variant type: single nucleotide variant.
Coding change: c.1402G>A on transcript NM_030928.4 (MANE Select); coding-DNA position 1402, G replaced by A.
Protein change: p.Glu468Lys; replaces glutamic acid 468 with lysine.
Molecular consequence: missense variant.
Genome position (GRCh38, 1-based): chr16:88,807,407, G>A. VCF-style: chr16-88807407-G-A. GRCh37 (hg19) VCF-style: chr16-88873815-G-A.
Other names: short protein forms E468K.
Identifiers: ClinVar variation 30502 (VCV000030502.5), dbSNP rs200652608, ClinGen allele CA129284.
Genomic context (GRCh38, chr16:88,807,407, plus strand): 5'-CTGCAGCGCTTAGAACGGCTGCCTGAGCTGGCCCGCGTGCTGCGGAGCGTCTTTGTGTCC[G>A]AACGCAAGCCTGCGCTCAGCATGGAGGTGGCCTGTGCCAGGATGGTGGGCAGCTGTTGTA-3'
Protein context (NP_112190.2, residues 458-478): ARVLRSVFVS[Glu468Lys]RKPALSMEVA